The following is an entry in ClinVar:

NM_022081.6(HPS4):c.133-6C>T

Gene: HPS4 (HPS4 biogenesis of lysosomal organelles complex 3 subunit 2; minus strand). Cytogenetic location: 22q12.1.
Variant type: single nucleotide variant.
Coding change: c.133-6C>T on transcript NM_022081.6 (MANE Select); 6 bases into the intron before coding-DNA position 133, C replaced by T.
Molecular consequence: intron variant.
Genome position (GRCh38, 1-based): chr22:26,477,142, G>A on the plus strand (C>T on the coding strand, the complement: HPS4 is on the minus strand). VCF-style: chr22-26477142-G-A. GRCh37 (hg19) VCF-style: chr22-26873108-G-A.
Other names: c.133-6C>T (NM_001349905.1, NM_001349904.2, NM_001349902.1 and 6 more transcripts); c.118-6C>T (NM_152841.2).
Identifiers: ClinVar variation 900002 (VCV000900002.11), dbSNP rs571184796, ClinGen allele CA10163806.

ClinVar aggregate classification (germline): Conflicting classifications of pathogenicity. Review status: criteria provided, conflicting classifications (1 of 4 stars). 4 submissions from 4 submitters: Uncertain significance (1); Likely benign (2). 1 of the submissions does not count toward it. Last evaluated 2026-01-28.

Conditions:
HPS4-related disorder. Also called: HPS4-related condition.
Hermansky-Pudlak syndrome 4 (HPS4). Identifiers: Orphanet 231500, Orphanet 79430, MedGen C3484357, MONDO:0013556, OMIM 614073.

Allele frequency attached by ClinVar (database versions not stated): ExAC 0.00028; 1000 Genomes Project 30x 0.00062; 1000 Genomes Project 0.00080; gnomAD exomes 0.00021.
gnomAD v4.1: 132 of 1,614,094 alleles (0.0082%); highest among the groups gnomAD compares: South Asian, 0.14%; 1 homozygote.

Submissions (4):

Labcorp Genetics (formerly Invitae), Labcorp
Classification: Likely benign. Last evaluated: 2026-01-28. Review status: criteria provided, single submitter. Criteria: Invitae Variant Classification Sherloc (09022015). Collection method: clinical testing. Allele origin: germline.

Women's Health and Genetics/Laboratory Corporation of America, LabCorp
Classification: Likely benign. Last evaluated: 2025-12-24. Review status: criteria provided, single submitter. Criteria: LabCorp Variant Classification Summary - May 2015. Collection method: clinical testing. Allele origin: germline.

Illumina Laboratory Services, Illumina
Classification: Uncertain significance for Hermansky-Pudlak syndrome 4. Last evaluated: 2018-01-13. Review status: criteria provided, single submitter. Criteria: ICSL Variant Classification Criteria 13 December 2019. Collection method: clinical testing. Allele origin: germline.

PreventionGenetics, part of Exact Sciences
Classification: Likely benign for HPS4-related condition. Last evaluated: 2021-04-21. Review status: no assertion criteria provided. Collection method: clinical testing. Allele origin: germline. Not counted in ClinVar's aggregate classification.
Comment: This variant is classified as likely benign based on ACMG/AMP sequence variant interpretation guidelines (Richards et al. 2015 PMID: 25741868, with internal and published modifications).